The following is an entry in ClinVar:

NM_015443.4(KANSL1):c.701T>C (p.Val234Ala)

Gene: KANSL1 (KAT8 regulatory NSL complex subunit 1). Cytogenetic location: 17q21.31.
Variant type: single nucleotide variant.
Coding change: c.701T>C on transcript NM_015443.4 (MANE Select); coding-DNA position 701, T replaced by C.
Protein change: p.Val234Ala; replaces valine 234 with alanine.
Molecular consequence: missense variant.
Genome position (GRCh38, 1-based): chr17:46,171,443, A>G on the plus strand (T>C on the coding strand, the complement: KANSL1 is on the minus strand). VCF-style: chr17-46171443-A-G. GRCh37 (hg19) VCF-style: chr17-44248809-A-G.
Other names: c.701T>C, p.Val234Ala (NM_001193465.2, NM_001193466.2, NM_001379198.1); short protein forms V234A.
Identifiers: ClinVar variation 323788 (VCV000323788.36), dbSNP rs199948200, ClinGen allele CA8618990.
Genomic context (GRCh38, chr17:46,171,443, plus strand): 5'-GAGTCTGTACCAGGTGATAATCTACTGCTTCCTTGAAGTGCCGGCTGTTCCATGGAATTG[A>G]CAGAGGATTTGTTTGCAGTGCTATTATTGCTATACAAAGTTGTGTGTTCTACATCAAGGC-3'
Protein context (NP_056258.1, residues 224-244): SNNSTANKSS[Val234Ala]NSMEQPALQG

ClinVar aggregate classification (germline): Likely benign. Review status: criteria provided, multiple submitters, no conflicts (2 of 4 stars). 4 submissions from 4 submitters: Likely benign (4). Last evaluated 2025-12-01.

Conditions:
Inborn genetic diseases. Identifiers: MedGen C0950123, MeSH D030342.
Koolen-de Vries syndrome (KDVS). Identifiers: Orphanet 96169, MedGen C1864871, MONDO:0012496, OMIM 610443.

Allele frequency attached by ClinVar (database versions not stated): gnomAD exomes 0.00008 and 0.00010; TOPMed 0.00008; gnomAD 0.00011; ExAC 0.00005.
gnomAD v4.1: 160 of 1,613,948 alleles (0.0099%); highest among the groups gnomAD compares: Middle Eastern, 0.033%; no homozygotes.

Submissions (4):

CeGaT Center for Human Genetics Tuebingen
Classification: Likely benign. Last evaluated: 2025-12-01. Review status: criteria provided, single submitter. Criteria: CeGaT Center For Human Genetics Tuebingen Variant Classification Criteria Version 2. Collection method: clinical testing. Allele origin: germline. Affected: yes. Observed: 2 variant alleles.
Comment: KANSL1: BP4

Ambry Genetics
Classification: Likely benign for Inborn genetic diseases. Last evaluated: 2024-04-20. Review status: criteria provided, single submitter. Criteria: Ambry Variant Classification Scheme 2023. Collection method: clinical testing. Allele origin: germline.

Labcorp Genetics (formerly Invitae), Labcorp
Classification: Likely benign for Koolen-de Vries syndrome. Last evaluated: 2023-10-11. Review status: criteria provided, single submitter. Criteria: Invitae Variant Classification Sherloc (09022015). Collection method: clinical testing. Allele origin: germline.

GeneDx
Classification: Likely benign. Last evaluated: 2020-04-07. Review status: criteria provided, single submitter. Criteria: GeneDx Variant Classification Process June 2021. Collection method: clinical testing. Allele origin: germline. Affected: yes.